The following is an entry in ClinVar:

ClinVar aggregate classification (germline): Conflicting classifications of pathogenicity. Review status: criteria provided, conflicting classifications (1 of 4 stars). 4 submissions from 4 submitters: Uncertain significance (2); Likely benign (1). 1 of the submissions does not count toward it. Last evaluated 2025-07-24.

Conditions:
ETV6-related disorder. Also called: ETV6-related condition.
Inborn genetic diseases. Identifiers: MedGen C0950123, MeSH D030342.

Allele frequency attached by ClinVar (database versions not stated): ExAC 0.00002; ESP Exome Variant Server 0.00008; gnomAD 0.00008; TOPMed 0.00008; gnomAD exomes 0.00018.
gnomAD v4.1: 276 of 1,614,054 alleles (0.017%); highest among the groups gnomAD compares: Non-Finnish European, 0.022%; no homozygotes.

Submissions (4):

Labcorp Genetics (formerly Invitae), Labcorp
Classification: Uncertain significance. Last evaluated: 2025-07-24. Review status: criteria provided, single submitter. Criteria: Invitae Variant Classification Sherloc (09022015). Collection method: clinical testing. Allele origin: germline.
Comment: This sequence change replaces proline, which is neutral and non-polar, with leucine, which is neutral and non-polar, at codon 223 of the ETV6 protein (p.Pro223Leu). This variant is present in population databases (rs373315577, gnomAD 0.009%). This missense change has been observed in individual(s) with acute lymphoblastic leukemia (PMID: 26522332). ClinVar contains an entry for this variant (Variation ID: 1712101). Invitae Evidence Modeling of protein sequence and biophysical properties (such as structural, functional, and spatial information, amino acid conservation, physicochemical variation, residue mobility, and thermodynamic stability) indicates that this missense variant is not expected to disrupt ETV6 protein function with a negative predictive value of 80%. In summary, the available evidence is currently insufficient to determine the role of this variant in disease. Therefore, it has been classified as a Variant of Uncertain Significance.

Ambry Genetics
Classification: Likely benign for Inborn genetic diseases. Last evaluated: 2024-12-12. Review status: criteria provided, single submitter. Criteria: Ambry Variant Classification Scheme 2023. Collection method: clinical testing. Allele origin: germline.

GeneDx
Classification: Uncertain significance. Last evaluated: 2022-04-18. Review status: criteria provided, single submitter. Criteria: GeneDx Variant Classification Process June 2021. Collection method: clinical testing. Allele origin: germline. Affected: yes.
Comment: In silico analysis supports that this missense variant does not alter protein structure/function; Observed in individuals with a personal or family history including chronic myelomonocytic leukemia or cytopenia (Matanes et al., 2019; Vantyghem et al., 2021); This variant is associated with the following publications: (PMID: 32241844, 28555414, 28637624, 31217941)

PreventionGenetics, part of Exact Sciences
Classification: Uncertain significance for ETV6-related condition. Last evaluated: 2024-06-25. Review status: no assertion criteria provided. Collection method: clinical testing. Allele origin: germline. Not counted in ClinVar's aggregate classification.
Comment: The ETV6 c.668C>T variant is predicted to result in the amino acid substitution p.Pro223Leu. This variant has been reported in an individual with cytopenia (Table S2, Vantyghem et al. 2021. PubMed ID: 32241844). This variant has been reported along with another gene variants in an individual with chronic myelomonocytic leukemia associated with myeloid sarcomas (Matanes et al. 2019. PubMed ID: 31217941). This variant has also been reported in an individual from a large acute lymphoblastic leukemia cohort study (Table S3, Moriyama et al. 2015. PubMed ID: 26522332). This variant is reported in 0.0093% of alleles in individuals of European (non-Finnish) descent in gnomAD. At this time, the clinical significance of this variant is uncertain due to the absence of conclusive functional and genetic evidence.

Literature cited by the submitters: PubMed 26522332 (cited by Labcorp Genetics (formerly Invitae), Labcorp).

NM_001987.5(ETV6):c.668C>T (p.Pro223Leu)

Gene: ETV6 (ETS variant transcription factor 6; plus strand). Cytogenetic location: 12p13.2.
Variant type: single nucleotide variant.
Coding change: c.668C>T on transcript NM_001987.5 (MANE Select); coding-DNA position 668, C replaced by T.
Protein change: p.Pro223Leu; replaces proline 223 with leucine.
Molecular consequence: missense variant.
Genome position (GRCh38, 1-based): chr12:11,869,628, C>T. VCF-style: chr12-11869628-C-T. GRCh37 (hg19) VCF-style: chr12-12022562-C-T.
Other names: short protein forms P223L.
Identifiers: ClinVar variation 1712101 (VCV001712101.9), dbSNP rs373315577, ClinGen allele CA6454313.